The following is an entry in ClinVar:

NM_001077350.3(NPRL3):c.305A>T (p.His102Leu)

Genes: HBA-LCR (alpha-globin locus control region; plus strand), NPRL3 (NPR3 like, GATOR1 complex subunit; minus strand). Cytogenetic location: 16p13.3.
Variant type: single nucleotide variant.
Coding change: c.305A>T on transcript NM_001077350.3 (MANE Select); coding-DNA position 305, A replaced by T.
Protein change: p.His102Leu; replaces histidine 102 with leucine.
Molecular consequence: missense variant. On other transcripts: intron variant (1).
Genome position (GRCh38, 1-based): chr16:119,139, T>A on the plus strand (A>T on the coding strand, the complement: NPRL3 is on the minus strand). VCF-style: chr16-119139-T-A. GRCh37 (hg19) VCF-style: chr16-169138-T-A.
Other names: c.71A>T, p.His24Leu (NM_001243247.2); c.305A>T, p.His102Leu (NM_001243248.2, NM_001243249.2); c.-144-6364A>T (NM_001039476.3); short protein forms H102L, H24L.
Identifiers: ClinVar variation 3708100 (VCV003708100.2).

ClinVar aggregate classification (germline): Uncertain significance (1 of 4 stars; one submission).

Conditions:
Epilepsy, familial focal, with variable foci 3 (FFEVF3). Identifiers: MedGen C4310708, MONDO:0014925, OMIM 617118.

gnomAD v4.1: 1 of 1,613,720 alleles (0.000062%); highest among the groups gnomAD compares: Non-Finnish European, 0.000085%; no homozygotes.

Submission:

Labcorp Genetics (formerly Invitae), Labcorp
Classification: Uncertain significance for Epilepsy, familial focal, with variable foci 3. Last evaluated: 2025-01-30. Review status: criteria provided, single submitter. Criteria: Invitae Variant Classification Sherloc (09022015). Collection method: clinical testing. Allele origin: germline.
Comment: This sequence change replaces histidine, which is basic and polar, with leucine, which is neutral and non-polar, at codon 102 of the NPRL3 protein (p.His102Leu). This variant is not present in population databases (gnomAD no frequency). This variant has not been reported in the literature in individuals affected with NPRL3-related conditions. Invitae Evidence Modeling of protein sequence and biophysical properties (such as structural, functional, and spatial information, amino acid conservation, physicochemical variation, residue mobility, and thermodynamic stability) indicates that this missense variant is not expected to disrupt NPRL3 protein function with a negative predictive value of 80%. In summary, the available evidence is currently insufficient to determine the role of this variant in disease. Therefore, it has been classified as a Variant of Uncertain Significance.